The following is an entry in ClinVar:

NM_000138.5(FBN1):c.7160A>G (p.Lys2387Arg)

Gene: FBN1 (fibrillin 1; minus strand). Cytogenetic location: 15q21.1.
Variant type: single nucleotide variant.
Coding change: c.7160A>G on transcript NM_000138.5 (MANE Select); coding-DNA position 7160, A replaced by G.
Protein change: p.Lys2387Arg; replaces lysine 2387 with arginine.
Molecular consequence: missense variant.
Genome position (GRCh38, 1-based): chr15:48,427,611, T>C on the plus strand (A>G on the coding strand, the complement: FBN1 is on the minus strand). VCF-style: chr15-48427611-T-C. GRCh37 (hg19) VCF-style: chr15-48719808-T-C.
Other names: c.7160A>G, p.Lys2387Arg (NM_001406716.1); short protein forms K2387R.
Identifiers: ClinVar variation 3070008 (VCV003070008.1), dbSNP rs2505412108, ClinGen allele CA392329348.
Genomic context (GRCh38, chr15:48,427,611, plus strand): 5'-ACTATAAATGAAGTACCTGCTCCATTGGTCATGAATCCTCGGCCATGGGGACAGAGTTTC[T>C]TGAAAGCCACAGTCCCCTGGAAAGGGCAGATCTCACAGTGGGGACCCCAGCCTCTCCCTC-3'
Protein context (NP_000129.3, residues 2377-2397): ICPFQGTVAF[Lys2387Arg]KLCPHGRGFM

ClinVar aggregate classification (germline): Uncertain significance (1 of 4 stars; one submission).

Conditions:
Marfan syndrome (MFS). Also called: MARFAN SYNDROME, TYPE I; Marfan syndrome type 1; Marfan's syndrome; Marfan syndrome, classic; FBN1-Related Marfan Syndrome. Identifiers: Orphanet 284963, Orphanet 558, MedGen C0024796, MONDO:0007947, OMIM 154700.

Allele frequency attached by ClinVar (database versions not stated): gnomAD exomes below 0.00001.
gnomAD v4.1: 1 of 1,614,194 alleles (0.000062%); highest among the groups gnomAD compares: Non-Finnish European, 0.000085%; no homozygotes.

Submission:

All of Us Research Program, National Institutes of Health
Classification: Uncertain significance for Marfan syndrome. Last evaluated: 2023-03-28. Review status: criteria provided, single submitter. Criteria: ACMG Guidelines, 2015. Collection method: clinical testing. Allele origin: germline. Inheritance: Autosomal dominant inheritance. Observed: 1 variant allele, 1 heterozygote.
Comment: This study involves interpretation of variants in research participants for the purpose of population health screening. Participant phenotype was not available at the time of variant classification. Additional details can be found in publication PMID: 35346344, PMCID: PMC8962531